The following is an entry in ClinVar:

NM_001908.5(CTSB):c.770C>G (p.Ser257Trp)

Gene: CTSB (cathepsin B). Cytogenetic location: 8p23.1.
Variant type: single nucleotide variant.
Coding change: c.770C>G on transcript NM_001908.5 (MANE Select); coding-DNA position 770, C replaced by G.
Protein change: p.Ser257Trp; replaces serine 257 with tryptophan.
Molecular consequence: missense variant.
Genome position (GRCh38, 1-based): chr8:11,847,075, G>C on the plus strand (C>G on the coding strand, the complement: CTSB is on the minus strand). VCF-style: chr8-11847075-G-C. GRCh37 (hg19) VCF-style: chr8-11704584-G-C.
Other names: c.398C>G, p.Ser133Trp (NM_001317237.2); c.770C>G, p.Ser257Trp (NM_001384714.1, NM_001384723.1, NM_001384724.1 and 8 more transcripts); short protein forms S133W, S257W.
Identifiers: ClinVar variation 1521513 (VCV001521513.8), dbSNP rs147604039, ClinGen allele CA4632542.

ClinVar aggregate classification (germline): Uncertain significance (1 of 4 stars; one submission).

Allele frequency attached by ClinVar (database versions not stated): 1000 Genomes Project 30x 0.00016; 1000 Genomes Project 0.00020.
gnomAD v4.1: 115 of 1,595,918 alleles (0.0072%); highest among the groups gnomAD compares: Non-Finnish European, 0.0091%; no homozygotes.

Submission:

Labcorp Genetics (formerly Invitae), Labcorp
Classification: Uncertain significance. Last evaluated: 2022-10-25. Review status: criteria provided, single submitter. Criteria: Invitae Variant Classification Sherloc (09022015). Collection method: clinical testing. Allele origin: germline.
Comment: This sequence change replaces serine, which is neutral and polar, with tryptophan, which is neutral and slightly polar, at codon 257 of the CTSB protein (p.Ser257Trp). This variant is present in population databases (rs147604039, gnomAD 0.009%). This variant has not been reported in the literature in individuals affected with CTSB-related conditions. ClinVar contains an entry for this variant (Variation ID: 1521513). Algorithms developed to predict the effect of missense changes on protein structure and function are either unavailable or do not agree on the potential impact of this missense change (SIFT: "Not Available"; PolyPhen-2: "Probably Damaging"; Align-GVGD: "Not Available"). In summary, the available evidence is currently insufficient to determine the role of this variant in disease. Therefore, it has been classified as a Variant of Uncertain Significance.